The following is an entry in ClinVar:

ClinVar aggregate classification (germline): Uncertain significance (1 of 4 stars; one submission).

Allele frequency attached by ClinVar (database versions not stated): gnomAD exomes below 0.00001.
gnomAD v4.1: 3 of 1,614,036 alleles (0.00019%); highest among the groups gnomAD compares: African/African-American, 0.0027%; no homozygotes.

Submission:

Labcorp Genetics (formerly Invitae), Labcorp
Classification: Uncertain significance. Last evaluated: 2022-05-04. Review status: criteria provided, single submitter. Criteria: Invitae Variant Classification Sherloc (09022015). Collection method: clinical testing. Allele origin: germline.
Comment: This sequence change replaces tyrosine, which is neutral and polar, with cysteine, which is neutral and slightly polar, at codon 604 of the RFWD3 protein (p.Tyr604Cys). This variant is present in population databases (no rsID available, gnomAD 0.007%). In summary, the available evidence is currently insufficient to determine the role of this variant in disease. Therefore, it has been classified as a Variant of Uncertain Significance. Algorithms developed to predict the effect of missense changes on protein structure and function output the following: SIFT: "Tolerated"; PolyPhen-2: "Benign"; Align-GVGD: "Class C0". The cysteine amino acid residue is found in multiple mammalian species, which suggests that this missense change does not adversely affect protein function. This variant has not been reported in the literature in individuals affected with RFWD3-related conditions.

NM_018124.4(RFWD3):c.1811A>G (p.Tyr604Cys)

Gene: RFWD3 (ring finger and WD repeat domain 3; minus strand). Cytogenetic location: 16q23.1.
Variant type: single nucleotide variant.
Coding change: c.1811A>G on transcript NM_018124.4 (MANE Select); coding-DNA position 1811, A replaced by G.
Protein change: p.Tyr604Cys; replaces tyrosine 604 with cysteine.
Molecular consequence: missense variant.
Genome position (GRCh38, 1-based): chr16:74,628,610, T>C on the plus strand (A>G on the coding strand, the complement: RFWD3 is on the minus strand). VCF-style: chr16-74628610-T-C. GRCh37 (hg19) VCF-style: chr16-74662508-T-C.
Other names: c.1811A>G, p.Tyr604Cys (NM_001370534.1, NM_001370535.1); c.1634A>G, p.Tyr545Cys (NM_001370536.1); c.977A>G, p.Tyr326Cys (NM_001370537.1, NM_001370539.1, NM_001370540.1 and 3 more transcripts); short protein forms Y545C, Y604C, Y326C.
Identifiers: ClinVar variation 2133772 (VCV002133772.4), dbSNP rs1444577160, ClinGen allele CA396759984.